The following is an entry in ClinVar:

ClinVar aggregate classification (germline): Likely benign. Review status: criteria provided, multiple submitters, no conflicts (2 of 4 stars). 2 submissions from 2 submitters: Likely benign (2). Last evaluated 2018-06-19.

Allele frequency attached by ClinVar (database versions not stated): gnomAD exomes 0.00120 and 0.00298; 1000 Genomes Project 30x 0.01359; TOPMed 0.01384; ExAC 0.00368; gnomAD 0.01150 and 0.01233; ESP Exome Variant Server 0.01417; 1000 Genomes Project 0.01398.
gnomAD v4.1: 3,589 of 1,611,238 alleles (0.22%); highest among the groups gnomAD compares: African/African-American, 4.2%; 56 homozygotes.

Submissions (2):

GeneDx
Classification: Likely benign. Last evaluated: 2018-06-19. Review status: criteria provided, single submitter. Criteria: GeneDx Variant Classification (06012015). Collection method: clinical testing. Allele origin: germline. Affected: yes.
Comment: This variant is considered likely benign or benign based on one or more of the following criteria: it is a conservative change, it occurs at a poorly conserved position in the protein, it is predicted to be benign by multiple in silico algorithms, and/or has population frequency not consistent with disease.

Breakthrough Genomics
Classification: Likely benign. Review status: criteria provided, single submitter. Criteria: ACMG Guidelines, 2015. Collection method: not provided. Allele origin: germline. Inheritance: Autosomal recessive inheritance. Affected: yes.

NM_016729.3(FOLR1):c.168+37G>T

Genes: FOLR1 (folate receptor alpha; plus strand), FOLR1-AS1 (FOLR1 antisense RNA 1; minus strand). Cytogenetic location: 11q13.4.
Variant type: single nucleotide variant.
Coding change: c.168+37G>T on transcript NM_016729.3 (MANE Select); 37 bases into the intron after coding-DNA position 168, G replaced by T.
Molecular consequence: intron variant.
Genome position (GRCh38, 1-based): chr11:72,192,378, G>T. VCF-style: chr11-72192378-G-T. GRCh37 (hg19) VCF-style: chr11-71903422-G-T.
Other names: c.168+37G>T (NM_016725.3, NM_000802.3, NM_016724.3).
Identifiers: ClinVar variation 673508 (VCV000673508.2), dbSNP rs77771906, ClinGen allele CA6169124.